The following is an entry in ClinVar:

NM_014165.4(NDUFAF4):c.120G>A (p.Leu40=)

Gene: NDUFAF4 (NADH:ubiquinone oxidoreductase complex assembly factor 4; minus strand). Cytogenetic location: 6q16.1.
Variant type: single nucleotide variant.
Coding change: c.120G>A on transcript NM_014165.4 (MANE Select); coding-DNA position 120, G replaced by A.
Protein change: p.Leu40=; no amino-acid change (leucine 40 retained).
Molecular consequence: synonymous variant.
Genome position (GRCh38, 1-based): chr6:96,897,682, C>T on the plus strand (G>A on the coding strand, the complement: NDUFAF4 is on the minus strand). VCF-style: chr6-96897682-C-T. GRCh37 (hg19) VCF-style: chr6-97345558-C-T.
Other names: p.L40L:CTG>CTA.
Identifiers: ClinVar variation 138461 (VCV000138461.21), dbSNP rs117908219, ClinGen allele CA292458.
Genomic context (GRCh38, chr6:96,897,682, plus strand): 5'-GGACTCCGCGCCCCCGGGCCCCGAAACGCCCTCGCACCACTCACGACTAATCTGCTCTCG[C>T]AGGAGGCTGTTGGTAGAGGGGTGTCTGGGAGCGACAGAGGGCTTCATCTTGCTGATTTCC-3'
Protein context (NP_054884.1, residues 30-50): APRHPSTNSL[Leu40=]REQISLYPEV

ClinVar aggregate classification (germline): Conflicting classifications of pathogenicity. Review status: criteria provided, conflicting classifications (1 of 4 stars). 4 submissions from 4 submitters: Uncertain significance (1); Benign (3). Last evaluated 2026-01-14.

Conditions:
Mitochondrial complex I deficiency, nuclear type 1. Also called: NADH-COENZYME Q REDUCTASE DEFICIENCY; MITOCHONDRIAL NADH DEHYDROGENASE COMPONENT OF COMPLEX I, DEFICIENCY OF. Identifiers: MedGen C6022305, MONDO:0100224, OMIM 252010.
Mitochondrial complex I deficiency, nuclear type 15. Also called: Mitochondrial complex 1 deficiency, nuclear type 15. Identifiers: MedGen C4748778, MONDO:0032620, OMIM 618237.

Allele frequency attached by ClinVar (database versions not stated): ESP Exome Variant Server 0.00038; gnomAD 0.00194; TOPMed 0.00203; 1000 Genomes Project 0.00938; 1000 Genomes Project 30x 0.00953.
gnomAD v4.1: 3,108 of 1,614,144 alleles (0.19%); highest among the groups gnomAD compares: East Asian, 2.1%; 54 homozygotes.

Submissions (4):

Labcorp Genetics (formerly Invitae), Labcorp
Classification: Benign. Last evaluated: 2026-01-14. Review status: criteria provided, single submitter. Criteria: Invitae Variant Classification Sherloc (09022015). Collection method: clinical testing. Allele origin: germline.

ARUP Laboratories, Molecular Genetics and Genomics, ARUP Laboratories
Classification: Benign for Mitochondrial complex I deficiency, nuclear type 15. Last evaluated: 2023-09-14. Review status: criteria provided, single submitter. Criteria: ARUP Molecular Germline Variant Investigation Process 2024. Collection method: clinical testing. Allele origin: germline.

Illumina Laboratory Services, Illumina
Classification: Uncertain significance for Mitochondrial complex I deficiency, nuclear type 1. Last evaluated: 2018-01-12. Review status: criteria provided, single submitter. Criteria: ICSL Variant Classification Criteria 13 December 2019. Collection method: clinical testing. Allele origin: germline.

GeneDx
Classification: Benign. Last evaluated: 2013-02-04. Review status: criteria provided, single submitter. Criteria: GeneDx Variant Classification (06012015). Collection method: clinical testing. Allele origin: germline. Affected: yes.
Comment: This variant is considered likely benign or benign based on one or more of the following criteria: it is a conservative change, it occurs at a poorly conserved position in the protein, it is predicted to be benign by multiple in silico algorithms, and/or has population frequency not consistent with disease.